The following is an entry in ClinVar:

NM_030912.3(TRIM8):c.1352C>T (p.Ala451Val)

Gene: TRIM8 (tripartite motif containing 8; plus strand). Cytogenetic location: 10q24.32.
Variant type: single nucleotide variant.
Coding change: c.1352C>T on transcript NM_030912.3 (MANE Select); coding-DNA position 1352, C replaced by T.
Protein change: p.Ala451Val; replaces alanine 451 with valine.
Molecular consequence: missense variant. On other transcripts: non-coding transcript variant (1).
Genome position (GRCh38, 1-based): chr10:102,657,050, C>T. VCF-style: chr10-102657050-C-T. GRCh37 (hg19) VCF-style: chr10-104416807-C-T.
Other names: c.1256C>T, p.Ala419Val (NM_001345950.1); short protein forms A419V, A451V.
Identifiers: ClinVar variation 2770952 (VCV002770952.3), dbSNP rs1380083291, ClinGen allele CA377932245.

ClinVar aggregate classification (germline): Uncertain significance (1 of 4 stars; one submission).

Submission:

Labcorp Genetics (formerly Invitae), Labcorp
Classification: Uncertain significance. Last evaluated: 2023-11-12. Review status: criteria provided, single submitter. Criteria: Invitae Variant Classification Sherloc (09022015). Collection method: clinical testing. Allele origin: germline.
Comment: This sequence change replaces alanine, which is neutral and non-polar, with valine, which is neutral and non-polar, at codon 451 of the TRIM8 protein (p.Ala451Val). This variant is not present in population databases (gnomAD no frequency). This variant has not been reported in the literature in individuals affected with TRIM8-related conditions. An algorithm developed to predict the effect of missense changes on protein structure and function (PolyPhen-2) suggests that this variant is likely to be tolerated. In summary, the available evidence is currently insufficient to determine the role of this variant in disease. Therefore, it has been classified as a Variant of Uncertain Significance.